The following is an entry in ClinVar:

ClinVar aggregate classification (germline): Uncertain significance (1 of 4 stars; one submission).

Submission:

GeneDx
Classification: Uncertain significance. Last evaluated: 2026-02-27. Review status: criteria provided, single submitter. Criteria: GeneDx Variant Classification Process June 2021. Collection method: clinical testing. Allele origin: germline.
Comment: Not observed at significant frequency in large population cohorts (gnomAD); In silico analysis supports that this missense variant has a deleterious effect on protein structure/function; Has not been previously published as pathogenic or benign to our knowledge

NM_014225.6(PPP2R1A):c.892G>A (p.Val298Met)

Gene: PPP2R1A (protein phosphatase 2 scaffold subunit Aalpha; plus strand). Cytogenetic location: 19q13.41.
Variant type: single nucleotide variant.
Coding change: c.892G>A on transcript NM_014225.6 (MANE Select); coding-DNA position 892, G replaced by A.
Protein change: p.Val298Met; replaces valine 298 with methionine.
Molecular consequence: missense variant. On other transcripts: non-coding transcript variant (1).
Genome position (GRCh38, 1-based): chr19:52,215,863, G>A. VCF-style: chr19-52215863-G-A. GRCh37 (hg19) VCF-style: chr19-52719116-G-A.
Other names: c.355G>A, p.Val119Met (NM_001363656.2); short protein forms V119M, V298M.
Identifiers: ClinVar variation 5008247 (VCV005008247.1).